The following is an entry in ClinVar:

NM_001267550.2(TTN):c.17023A>G (p.Thr5675Ala)

Genes: TTN (titin; minus strand), LOC126806431 (CDK7 strongly-dependent group 2 enhancer GRCh37_chr2:179595719-179596918; plus strand). Cytogenetic location: 2q31.2.
Variant type: single nucleotide variant.
Coding change: c.17023A>G on transcript NM_001267550.2 (MANE Select); coding-DNA position 17023, A replaced by G.
Protein change: p.Thr5675Ala; replaces threonine 5675 with alanine.
Molecular consequence: missense variant. On other transcripts: intron variant (3).
Genome position (GRCh38, 1-based): chr2:178,731,852, T>C on the plus strand (A>G on the coding strand, the complement: TTN is on the minus strand). VCF-style: chr2-178731852-T-C. GRCh37 (hg19) VCF-style: chr2-179596579-T-C.
Other names: c.16072A>G, p.Thr5358Ala (NM_001256850.1); c.13291A>G, p.Thr4431Ala (NM_133378.4); c.13282+6230A>G (NM_003319.4); c.13858+6230A>G (NM_133437.4); c.13657+6230A>G (NM_133432.3); short protein forms T4431A, T5358A, T5675A.
Identifiers: ClinVar variation 3573709 (VCV003573709.1).

ClinVar aggregate classification (germline): Uncertain significance (1 of 4 stars; one submission).

gnomAD v4.1: 10 of 1,613,646 alleles (0.00062%); highest among the groups gnomAD compares: South Asian, 0.0099%; no homozygotes.

Submission:

GeneDx
Classification: Uncertain significance. Last evaluated: 2024-07-19. Review status: criteria provided, single submitter. Criteria: GeneDx Variant Classification Process June 2021. Collection method: clinical testing. Allele origin: germline. Affected: yes.
Comment: Not observed at significant frequency in large population cohorts (gnomAD); Missense variant in a gene in which most reported pathogenic variants are truncating/loss of function; Has not been previously published as pathogenic or benign to our knowledge